The following is an entry in ClinVar:

ClinVar aggregate classification (germline): Likely pathogenic. Review status: criteria provided, multiple submitters, no conflicts (2 of 4 stars). 2 submissions from 2 submitters: Likely pathogenic (2). Last evaluated 2025-08-09.

Conditions:
Usher syndrome type 1B (USH1B). Also called: Usher syndrome type IB. Identifiers: MedGen C1848638, MONDO:0700087.

Allele frequency attached by ClinVar (database versions not stated): gnomAD exomes below 0.00001.
gnomAD v4.1: 3 of 1,584,636 alleles (0.00019%); highest among the groups gnomAD compares: East Asian, 0.0046%; no homozygotes.

Submissions (2):

Natera, Inc.
Classification: Likely pathogenic for Usher syndrome type 1B. Last evaluated: 2025-08-09. Review status: criteria provided, single submitter. Criteria: Natera Variant Classification Schema (03/2026). Collection method: clinical testing. Allele origin: germline.
Comment: The c.5044-2A>G variant in MYO7A is a canonical splice acceptor site variant predicted to affect pre-mRNA splicing, which may result in an abnormal transcript and altered protein product. This variant is expected to result in nonsense mediated decay, truncation, or a dysfunctional protein product. This variant is rare in the general population with a frequency below the threshold expected for the associated phenotype(s). Given the available evidence, this variant is classified as Likely Pathogenic.

Labcorp Genetics (formerly Invitae), Labcorp
Classification: Likely pathogenic. Last evaluated: 2023-12-28. Review status: criteria provided, single submitter. Criteria: Invitae Variant Classification Sherloc (09022015). Collection method: clinical testing. Allele origin: germline.
Comment: This sequence change affects an acceptor splice site in intron 36 of the MYO7A gene. It is expected to disrupt RNA splicing. Variants that disrupt the donor or acceptor splice site typically lead to a loss of protein function (PMID: 16199547), and loss-of-function variants in MYO7A are known to be pathogenic (PMID: 8900236, 25404053). The frequency data for this variant in the population databases is considered unreliable, as metrics indicate poor data quality at this position in the gnomAD database. This variant has not been reported in the literature in individuals affected with MYO7A-related conditions. ClinVar contains an entry for this variant (Variation ID: 1066239). Algorithms developed to predict the effect of sequence changes on RNA splicing suggest that this variant may disrupt the consensus splice site. In summary, the currently available evidence indicates that the variant is pathogenic, but additional data are needed to prove that conclusively. Therefore, this variant has been classified as Likely Pathogenic.

Literature cited by the submitters: PubMed 16199547 (cited by Labcorp Genetics (formerly Invitae), Labcorp); PubMed 8900236 (cited by Labcorp Genetics (formerly Invitae), Labcorp); PubMed 25404053 (cited by Labcorp Genetics (formerly Invitae), Labcorp).

NM_000260.4(MYO7A):c.5044-2A>G

Gene: MYO7A (myosin VIIA; plus strand). Cytogenetic location: 11q13.5.
Variant type: single nucleotide variant.
Coding change: c.5044-2A>G on transcript NM_000260.4 (MANE Select); the canonical splice acceptor site of the intron before coding-DNA position 5044, A replaced by G.
Molecular consequence: splice acceptor variant.
Genome position (GRCh38, 1-based): chr11:77,202,298, A>G. VCF-style: chr11-77202298-A-G. GRCh37 (hg19) VCF-style: chr11-76913343-A-G.
Other names: c.5044-2A>G (NM_000260.3); c.4930-2A>G (NM_001127180.2); c.4897-2A>G (NM_001369365.1).
Identifiers: ClinVar variation 1066239 (VCV001066239.8), dbSNP rs1474868859, ClinGen allele CA381951501.